The following is an entry in ClinVar:

ClinVar aggregate classification (germline): Likely benign. Review status: criteria provided, multiple submitters, no conflicts (2 of 4 stars). 6 submissions from 6 submitters: Likely benign (5). 1 of the submissions does not count toward it. Last evaluated 2025-12-15.

Conditions:
ANKRD11-related disorder. Also called: ANKRD11-related condition.
KBG syndrome (KBGS). Also called: ANKRD11-Related KBG Syndrome. Identifiers: Orphanet 2332, MedGen C0220687, MONDO:0007846, OMIM 148050.
Inborn genetic diseases. Identifiers: MedGen C0950123, MeSH D030342.

Allele frequency attached by ClinVar (database versions not stated): ESP Exome Variant Server 0.00015; ExAC 0.00018; gnomAD exomes 0.00018 and 0.00022; 1000 Genomes Project 30x 0.00031; gnomAD 0.00031; TOPMed 0.00034; 1000 Genomes Project 0.00040.

Submissions (6):

Labcorp Genetics (formerly Invitae), Labcorp
Classification: Likely benign for KBG syndrome. Last evaluated: 2025-12-15. Review status: criteria provided, single submitter. Criteria: Invitae Variant Classification Sherloc (09022015). Collection method: clinical testing. Allele origin: germline.

Blueprint Genetics
Classification: Likely benign. Last evaluated: 2024-10-22. Review status: criteria provided, single submitter. Criteria: ACMG Guidelines, 2015. Collection method: clinical testing. Allele origin: germline.

CeGaT Center for Human Genetics Tuebingen
Classification: Likely benign. Last evaluated: 2024-07-01. Review status: criteria provided, single submitter. Criteria: CeGaT Center For Human Genetics Tuebingen Variant Classification Criteria Version 2. Collection method: clinical testing. Allele origin: germline. Affected: yes. Observed: 1 variant allele.
Comment: ANKRD11: BP4, BS1

Ambry Genetics
Classification: Likely benign for Inborn genetic diseases. Last evaluated: 2021-05-05. Review status: criteria provided, single submitter. Criteria: Ambry Variant Classification Scheme 2023. Collection method: clinical testing. Allele origin: germline.

GeneDx
Classification: Likely benign. Last evaluated: 2020-08-26. Review status: criteria provided, single submitter. Criteria: GeneDx Variant Classification Process June 2021. Collection method: clinical testing. Allele origin: germline. Affected: yes.

PreventionGenetics, part of Exact Sciences
Classification: Likely benign for ANKRD11-related condition. Last evaluated: 2021-07-28. Review status: no assertion criteria provided. Collection method: clinical testing. Allele origin: germline. Not counted in ClinVar's aggregate classification.
Comment: This variant is classified as likely benign based on ACMG/AMP sequence variant interpretation guidelines (Richards et al. 2015 PMID: 25741868, with internal and published modifications).

NM_013275.6(ANKRD11):c.3584G>A (p.Arg1195Lys)

Gene: ANKRD11 (ankyrin repeat domain 11; minus strand). Cytogenetic location: 16q24.3.
Variant type: single nucleotide variant.
Coding change: c.3584G>A on transcript NM_013275.6 (MANE Select); coding-DNA position 3584, G replaced by A.
Protein change: p.Arg1195Lys; replaces arginine 1195 with lysine.
Molecular consequence: missense variant.
Genome position (GRCh38, 1-based): chr16:89,282,958, C>T on the plus strand (G>A on the coding strand, the complement: ANKRD11 is on the minus strand). VCF-style: chr16-89282958-C-T. GRCh37 (hg19) VCF-style: chr16-89349366-C-T.
Other names: c.3584G>A, p.Arg1195Lys (NM_001256182.2, NM_001256183.2); short protein forms R1195K.
Identifiers: ClinVar variation 588209 (VCV000588209.74), dbSNP rs144199827, ClinGen allele CA8242327.